The following is an entry in ClinVar:

ClinVar aggregate classification (germline): Uncertain significance (1 of 4 stars; one submission).

Conditions:
Inborn genetic diseases. Identifiers: MedGen C0950123, MeSH D030342.

Submission:

Ambry Genetics
Classification: Uncertain significance for Inborn genetic diseases. Last evaluated: 2016-09-01. Review status: criteria provided, single submitter. Criteria: Ambry Variant Classification Scheme 2023. Collection method: clinical testing. Allele origin: germline.
Comment: The p.G772D variant (also known as c.2315G>A), located in coding exon 16 of the SZT2 gene, results from a G to A substitution at nucleotide position 2315. The glycine at codon 772 is replaced by aspartic acid, an amino acid with similar properties. This variant was not reported in population based cohorts in the following databases: Database of Single Nucleotide Polymorphisms (dbSNP), NHLBI Exome Sequencing Project (ESP), and 1000 Genomes Project. In the ESP, this variant was not observed in 2867 samples (5734 alleles) with coverage at this position. This amino acid position is not well conserved in available vertebrate species. In addition, this alteration is predicted to be tolerated by in silico analysis. Since supporting evidence is limited at this time, the clinical significance of this alteration remains unclear.

NM_001365999.1(SZT2):c.2315G>A (p.Gly772Asp)

Gene: SZT2 (SZT2 subunit of KICSTOR complex; plus strand). Cytogenetic location: 1p34.2.
Variant type: single nucleotide variant.
Coding change: c.2315G>A on transcript NM_001365999.1 (MANE Select); coding-DNA position 2315, G replaced by A.
Protein change: p.Gly772Asp; replaces glycine 772 with aspartic acid.
Molecular consequence: missense variant.
Genome position (GRCh38, 1-based): chr1:43,424,276, G>A. VCF-style: chr1-43424276-G-A. GRCh37 (hg19) VCF-style: chr1-43889947-G-A.
Other names: c.2315G>A, p.Gly772Asp (NM_015284.4); short protein forms G772D.
Identifiers: ClinVar variation 589909 (VCV000589909.5), dbSNP rs1557550662, ClinGen allele CA340012327.